The following is an entry in ClinVar:

ClinVar aggregate classification (germline): Pathogenic/Likely pathogenic. Review status: criteria provided, multiple submitters, no conflicts (2 of 4 stars). 2 submissions from 2 submitters: Pathogenic (1); Likely pathogenic (1). Last evaluated 2024-11-25.

Conditions:
Coffin-Siris syndrome 8. Identifiers: MedGen C5193054, MONDO:0032702, OMIM 618362.

Submissions (2):

GeneDx
Classification: Pathogenic. Last evaluated: 2024-11-25. Review status: criteria provided, single submitter. Criteria: GeneDx Variant Classification Process June 2021. Collection method: clinical testing. Allele origin: germline. Affected: yes.
Comment: Nonsense variant predicted to result in protein truncation[or nonsense mediated decay in a gene for which loss of function is a known mechanism of disease; Not observed in large population cohorts (gnomAD); This variant is associated with the following publications: (PMID: 37551667)

Greenwood Genetic Center Diagnostic Laboratories, Greenwood Genetic Center
Classification: Likely pathogenic for Coffin-Siris syndrome 8. Last evaluated: 2021-07-26. Review status: criteria provided, single submitter. Criteria: ACMG Guidelines, 2015. Collection method: clinical testing. Allele origin: germline. Affected: yes.
Comment: PVS1, PM2

NM_001330288.2(SMARCC2):c.805C>T (p.Arg269Ter)

Gene: SMARCC2 (SWI/SNF related BAF chromatin remodeling complex subunit C2; minus strand). Cytogenetic location: 12q13.2.
Variant type: single nucleotide variant.
Coding change: c.805C>T on transcript NM_001330288.2 (MANE Select); coding-DNA position 805, C replaced by T.
Protein change: p.Arg269Ter; replaces arginine 269 with a stop codon.
Molecular consequence: nonsense.
Genome position (GRCh38, 1-based): chr12:56,181,739, G>A on the plus strand (C>T on the coding strand, the complement: SMARCC2 is on the minus strand). VCF-style: chr12-56181739-G-A. GRCh37 (hg19) VCF-style: chr12-56575523-G-A.
Other names: c.805C>T, p.Arg269Ter (NM_001130420.3, NM_003075.5, NM_139067.4); short protein forms R269*.
Identifiers: ClinVar variation 1219096 (VCV001219096.8), dbSNP rs2135734683, ClinGen allele CA385353653.